The following is an entry in ClinVar:

NM_001191061.2(SLC25A22):c.169G>A (p.Val57Ile)

Gene: SLC25A22 (solute carrier family 25 member 22; minus strand). Cytogenetic location: 11p15.5.
Variant type: single nucleotide variant.
Coding change: c.169G>A on transcript NM_001191061.2 (MANE Select); coding-DNA position 169, G replaced by A.
Protein change: p.Val57Ile; replaces valine 57 with isoleucine.
Molecular consequence: missense variant.
Genome position (GRCh38, 1-based): chr11:794,491, C>T on the plus strand (G>A on the coding strand, the complement: SLC25A22 is on the minus strand). VCF-style: chr11-794491-C-T. GRCh37 (hg19) VCF-style: chr11-794491-C-T.
Other names: p.V57I:GTC>ATC; c.169G>A, p.Val57Ile (NM_001191060.2, NM_024698.6); c.169G>A (NM_001191060.1); short protein forms V57I.
Identifiers: ClinVar variation 159911 (VCV000159911.30), dbSNP rs150242281, ClinGen allele CA295153.

ClinVar aggregate classification (germline): Benign/Likely benign. Review status: criteria provided, multiple submitters, no conflicts (2 of 4 stars). 9 submissions from 9 submitters: Benign (5); Likely benign (2). 2 of the submissions do not count toward it. Last evaluated 2026-02-02.

Conditions:
Early-infantile DEE. Also called: Early infantile epileptic encephalopathy; Ohtahara syndrome; Early infantile epileptic encephalopathy with suppression bursts. Identifiers: Orphanet 1934, MedGen C0393706, MONDO:0800491.
SLC25A22-related disorder. Also called: SLC25A22-related condition.
Inborn genetic diseases. Identifiers: MedGen C0950123, MeSH D030342.

Allele frequency attached by ClinVar (database versions not stated): gnomAD exomes 0.00065; ExAC 0.00079; 1000 Genomes Project 0.00200; 1000 Genomes Project 30x 0.00203; gnomAD 0.00204; ESP Exome Variant Server 0.00223; TOPMed 0.00248.
gnomAD v4.1: 740 of 1,612,962 alleles (0.046%); highest among the groups gnomAD compares: African/African-American, 0.78%; 2 homozygotes.

Submissions (9):

Labcorp Genetics (formerly Invitae), Labcorp
Classification: Benign for Early-infantile DEE. Last evaluated: 2026-02-02. Review status: criteria provided, single submitter. Criteria: Invitae Variant Classification Sherloc (09022015). Collection method: clinical testing. Allele origin: germline.

PreventionGenetics, part of Exact Sciences
Classification: Benign for SLC25A22-related condition. Last evaluated: 2024-12-04. Review status: criteria provided, single submitter. Criteria: ACMG Guidelines, 2015. Collection method: clinical testing. Allele origin: germline.
Comment: This variant is classified as benign based on ACMG/AMP sequence variant interpretation guidelines (Richards et al. 2015 PMID: 25741868, with internal and published modifications).

Blueprint Genetics
Classification: Likely benign. Last evaluated: 2024-11-13. Review status: criteria provided, single submitter. Criteria: ACMG Guidelines, 2015. Collection method: clinical testing. Allele origin: germline.

GeneDx
Classification: Benign. Last evaluated: 2021-06-07. Review status: criteria provided, single submitter. Criteria: GeneDx Variant Classification Process June 2021. Collection method: clinical testing. Allele origin: germline. Affected: yes.

Ambry Genetics
Classification: Benign for Inborn genetic diseases. Last evaluated: 2017-09-30. Review status: criteria provided, single submitter. Criteria: Ambry Variant Classification Scheme 2023. Collection method: clinical testing. Allele origin: germline.

Eurofins Ntd Llc (ga)
Classification: Likely benign. Last evaluated: 2014-11-13. Review status: criteria provided, single submitter. Criteria: EGL Classification Definitions 2015. Collection method: clinical testing. Allele origin: germline. Observed: 1 variant allele, 1 heterozygote.

Genetic Services Laboratory, University of Chicago
Classification: Benign. Last evaluated: 2013-02-08. Review status: criteria provided, single submitter. Criteria: ACMG Guidelines, 2007. Collection method: clinical testing. Allele origin: germline. Inheritance: Autosomal recessive inheritance.

Clinical Genetics DNA and cytogenetics Diagnostics Lab, Erasmus MC, Erasmus Medical Center
Classification: Likely benign. Review status: no assertion criteria provided. Collection method: clinical testing. Allele origin: germline. Affected: yes. Study: VKGL Data-share Consensus. Not counted in ClinVar's aggregate classification.

Genome Diagnostics Laboratory, University Medical Center Utrecht
Classification: Likely benign. Review status: no assertion criteria provided. Collection method: clinical testing. Allele origin: germline. Affected: yes. Study: VKGL Data-share Consensus. Not counted in ClinVar's aggregate classification.